The following is an entry in ClinVar:

NM_001365951.3(KIF1B):c.4762C>G (p.Leu1588Val)

Gene: KIF1B (kinesin family member 1B; plus strand). Cytogenetic location: 1p36.22.
Variant type: single nucleotide variant.
Coding change: c.4762C>G on transcript NM_001365951.3 (MANE Select); coding-DNA position 4762, C replaced by G.
Protein change: p.Leu1588Val; replaces leucine 1588 with valine.
Molecular consequence: missense variant.
Genome position (GRCh38, 1-based): chr1:10,368,476, C>G. VCF-style: chr1-10368476-C-G. GRCh37 (hg19) VCF-style: chr1-10428534-C-G.
Other names: c.4762C>G, p.Leu1588Val (NM_001365952.1); c.4624C>G, p.Leu1542Val (NM_015074.3); short protein forms L1542V, L1588V.
Identifiers: ClinVar variation 3288483 (VCV003288483.1).

ClinVar aggregate classification (germline): Uncertain significance (1 of 4 stars; one submission).

Submission:

Ambry Genetics
Classification: Uncertain significance. Last evaluated: 2024-06-12. Review status: criteria provided, single submitter. Criteria: Ambry Variant Classification Scheme 2023. Collection method: clinical testing. Allele origin: germline.
Comment: The p.L1542V variant (also known as c.4624C>G), located in coding exon 41 of the KIF1B gene, results from a C to G substitution at nucleotide position 4624. The leucine at codon 1542 is replaced by valine, an amino acid with highly similar properties. This amino acid position is conserved. In addition, the in silico prediction for this alteration is inconclusive. Based on the available evidence, the clinical significance of this variant remains unclear.